The following is an entry in ClinVar:

NM_004006.3(DMD):c.6250C>T (p.Gln2084Ter)

Gene: DMD (dystrophin; minus strand). Cytogenetic location: Xp21.1.
Variant type: single nucleotide variant.
Coding change: c.6250C>T on transcript NM_004006.3 (MANE Select); coding-DNA position 6250, C replaced by T.
Protein change: p.Gln2084Ter; replaces glutamine 2084 with a stop codon.
Molecular consequence: nonsense.
Genome position (GRCh38, 1-based): chrX:32,287,569, G>A on the plus strand (C>T on the coding strand, the complement: DMD is on the minus strand). VCF-style: chrX-32287569-G-A. GRCh37 (hg19) VCF-style: chrX-32305686-G-A.
Other names: c.6226C>T, p.Gln2076Ter (NM_000109.4); c.6238C>T, p.Gln2080Ter (NM_004009.3); c.5881C>T, p.Gln1961Ter (NM_004010.3); c.2227C>T, p.Gln743Ter (NM_004011.4); c.2218C>T, p.Gln740Ter (NM_004012.4); short protein forms Q1961*, Q2076*, Q2080*, Q2084*, Q740*, Q743*.
Identifiers: ClinVar variation 1322722 (VCV001322722.8), dbSNP rs2148456727, ClinGen allele CA412665816.

ClinVar aggregate classification (germline): Pathogenic. Review status: criteria provided, multiple submitters, no conflicts (2 of 4 stars). 2 submissions from 2 submitters: Pathogenic (2). Last evaluated 2021-12-03.

Conditions:
Duchenne muscular dystrophy (DMD). Also called: MUSCULAR DYSTROPHY, PSEUDOHYPERTROPHIC PROGRESSIVE, DUCHENNE TYPE; Duchenne Muscular Dystrophy (DMD). Identifiers: Orphanet 98896, MedGen C0013264, MONDO:0010679, OMIM 310200.

Submissions (2):

Labcorp Genetics (formerly Invitae), Labcorp
Classification: Pathogenic for Duchenne muscular dystrophy. Last evaluated: 2021-12-03. Review status: criteria provided, single submitter. Criteria: Invitae Variant Classification Sherloc (09022015). Collection method: clinical testing. Allele origin: germline.
Comment: For these reasons, this variant has been classified as Pathogenic. This premature translational stop signal has been observed in individual(s) with muscular dystrophy (PMID: 21515508). This variant is not present in population databases (gnomAD no frequency). This sequence change creates a premature translational stop signal (p.Gln2084*) in the DMD gene. It is expected to result in an absent or disrupted protein product. Loss-of-function variants in DMD are known to be pathogenic (PMID: 16770791, 25007885).

Clinical Biomedical Laboratory, Shriners Hospital For Children - Canada
Classification: Pathogenic for Duchenne muscular dystrophy. Review status: criteria provided, single submitter. Criteria: ACMG Guidelines, 2015. Collection method: clinical testing. Allele origin: germline. Affected: yes.
Comment: This variant is expected to lead to degradation of the affected transcript and loss of function in DMD. Loss of function in DMD is associated with Duchenne muscular dystrophy, which corresponds to the clinical diagnosis of the proband. The variant is absent from gnomAD (v.2.1.1), which indicates that the variant is very rare in the general population. Based on ACMG criteria, the variant is classified as pathogenic (PVS1, PS3, PM2, PP4).

Literature cited by the submitters: PubMed 21515508 (cited by Labcorp Genetics (formerly Invitae), Labcorp); PubMed 16770791 (cited by Labcorp Genetics (formerly Invitae), Labcorp); PubMed 25007885 (cited by Labcorp Genetics (formerly Invitae), Labcorp).